The following is an entry in ClinVar:

NM_001174089.2(SLC4A11):c.1416-1G>C

Gene: SLC4A11 (solute carrier family 4 member 11; minus strand). Cytogenetic location: 20p13.
Variant type: single nucleotide variant.
Coding change: c.1416-1G>C on transcript NM_001174089.2 (MANE Select); the canonical splice acceptor site of the intron before coding-DNA position 1416, G replaced by C.
Molecular consequence: splice acceptor variant.
Genome position (GRCh38, 1-based): chr20:3,230,261, C>G on the plus strand (G>C on the coding strand, the complement: SLC4A11 is on the minus strand). VCF-style: chr20-3230261-C-G. GRCh37 (hg19) VCF-style: chr20-3210907-C-G.
Other names: c.1359-1G>C (NM_001400277.1, NM_001400278.1, NM_001400279.1); c.1302-1G>C (NM_001363745.2); c.1431-1G>C (NM_001400280.1); c.1545-1G>C (NM_001174090.2); c.1464-1G>C (NM_032034.4).
Identifiers: ClinVar variation 938824 (VCV000938824.9), dbSNP rs2067710234, ClinGen allele CA408088518.

ClinVar aggregate classification (germline): Likely pathogenic. Review status: criteria provided, single submitter (1 of 4 stars). 2 submissions from 2 submitters: Likely pathogenic (1). 1 of the submissions does not count toward it. Last evaluated 2022-02-10.

Conditions:
Corneal dystrophy-perceptive deafness syndrome (CDPD). Also called: CORNEAL DYSTROPHY AND SENSORINEURAL DEAFNESS; HARBOYAN SYNDROME. Identifiers: Orphanet 1490, MedGen C1857572, MONDO:0009015, OMIM 217400.

Submissions (2):

Labcorp Genetics (formerly Invitae), Labcorp
Classification: Likely pathogenic. Last evaluated: 2022-02-10. Review status: criteria provided, single submitter. Criteria: Invitae Variant Classification Sherloc (09022015). Collection method: clinical testing. Allele origin: germline.
Comment: This variant has not been reported in the literature in individuals affected with SLC4A11-related conditions. ClinVar contains an entry for this variant (Variation ID: 938824). Algorithms developed to predict the effect of sequence changes on RNA splicing suggest that this variant may disrupt the consensus splice site. In summary, the currently available evidence indicates that the variant is pathogenic, but additional data are needed to prove that conclusively. Therefore, this variant has been classified as Likely Pathogenic. This variant is not present in population databases (gnomAD no frequency). This sequence change affects an acceptor splice site in intron 11 of the SLC4A11 gene. It is expected to disrupt RNA splicing. Variants that disrupt the donor or acceptor splice site typically lead to a loss of protein function (PMID: 16199547), and loss-of-function variants in SLC4A11 are known to be pathogenic (PMID: 17220209, 17679935).

Natera, Inc.
Classification: Likely pathogenic for Corneal dystrophy-perceptive deafness syndrome. Last evaluated: 2021-09-20. Review status: no assertion criteria provided. Collection method: clinical testing. Allele origin: germline. Not counted in ClinVar's aggregate classification.

Literature cited by the submitters: PubMed 16199547 (cited by Labcorp Genetics (formerly Invitae), Labcorp); PubMed 17220209 (cited by Labcorp Genetics (formerly Invitae), Labcorp); PubMed 17679935 (cited by Labcorp Genetics (formerly Invitae), Labcorp).